The following is an entry in ClinVar:

ClinVar aggregate classification (germline): Uncertain significance (1 of 4 stars; one submission).

Conditions:
Holoprosencephaly 11 (HPE11). Identifiers: Orphanet 2162, MedGen C3280215, MONDO:0013642, OMIM 614226.

gnomAD v4.1: 2 of 1,614,114 alleles (0.00012%); highest among the groups gnomAD compares: Admixed American, 0.0033%; no homozygotes.

Submission:

Labcorp Genetics (formerly Invitae), Labcorp
Classification: Uncertain significance for Holoprosencephaly 11. Last evaluated: 2025-09-08. Review status: criteria provided, single submitter. Criteria: Invitae Variant Classification Sherloc (09022015). Collection method: clinical testing. Allele origin: germline.
Comment: This sequence change replaces proline, which is neutral and non-polar, with threonine, which is neutral and polar, at codon 282 of the CDON protein (p.Pro282Thr). This variant is present in population databases (no rsID available, gnomAD 0.003%). This variant has not been reported in the literature in individuals affected with CDON-related conditions. ClinVar contains an entry for this variant (Variation ID: 2727672). Invitae Evidence Modeling of protein sequence and biophysical properties (such as structural, functional, and spatial information, amino acid conservation, physicochemical variation, residue mobility, and thermodynamic stability) indicates that this missense variant is not expected to disrupt CDON protein function with a negative predictive value of 80%. In summary, the available evidence is currently insufficient to determine the role of this variant in disease. Therefore, it has been classified as a Variant of Uncertain Significance.

NM_001378964.1(CDON):c.844C>A (p.Pro282Thr)

Gene: CDON (cell adhesion associated, oncogene regulated; minus strand). Cytogenetic location: 11q24.2.
Variant type: single nucleotide variant.
Coding change: c.844C>A on transcript NM_001378964.1 (MANE Select); coding-DNA position 844, C replaced by A.
Protein change: p.Pro282Thr; replaces proline 282 with threonine.
Molecular consequence: missense variant.
Genome position (GRCh38, 1-based): chr11:126,017,172, G>T on the plus strand (C>A on the coding strand, the complement: CDON is on the minus strand). VCF-style: chr11-126017172-G-T. GRCh37 (hg19) VCF-style: chr11-125887067-G-T.
Other names: c.844C>A, p.Pro282Thr (NM_001243597.3, NM_016952.6); short protein forms P282T.
Identifiers: ClinVar variation 2727672 (VCV002727672.3), dbSNP rs1476973615, ClinGen allele CA383210719.